The following is an entry in ClinVar:

ClinVar aggregate classification (germline): Uncertain significance (1 of 4 stars; one submission).

Conditions:
Distal hereditary motor neuropathy type 2. Identifiers: Orphanet 139525, MedGen C3711384, MeSH C580044, MONDO:0015352.

gnomAD v4.1: 1 of 1,609,078 alleles (0.000062%); highest among the groups gnomAD compares: Non-Finnish European, 0.000085%; no homozygotes.

Submission:

Labcorp Genetics (formerly Invitae), Labcorp
Classification: Uncertain significance for Distal hereditary motor neuropathy type 2. Last evaluated: 2024-09-15. Review status: criteria provided, single submitter. Criteria: Invitae Variant Classification Sherloc (09022015). Collection method: clinical testing. Allele origin: germline.
Comment: This sequence change replaces tyrosine, which is neutral and polar, with serine, which is neutral and polar, at codon 313 of the FBXO38 protein (p.Tyr313Ser). This variant is not present in population databases (gnomAD no frequency). This variant has not been reported in the literature in individuals affected with FBXO38-related conditions. Invitae Evidence Modeling of protein sequence and biophysical properties (such as structural, functional, and spatial information, amino acid conservation, physicochemical variation, residue mobility, and thermodynamic stability) has been performed for this missense variant. However, the output from this modeling did not meet the statistical confidence thresholds required to predict the impact of this variant on FBXO38 protein function. In summary, the available evidence is currently insufficient to determine the role of this variant in disease. Therefore, it has been classified as a Variant of Uncertain Significance.

NM_205836.3(FBXO38):c.938A>C (p.Tyr313Ser)

Gene: FBXO38 (F-box protein 38; plus strand). Cytogenetic location: 5q32.
Variant type: single nucleotide variant.
Coding change: c.938A>C on transcript NM_205836.3 (MANE Select); coding-DNA position 938, A replaced by C.
Protein change: p.Tyr313Ser; replaces tyrosine 313 with serine.
Molecular consequence: missense variant.
Genome position (GRCh38, 1-based): chr5:148,409,193, A>C. VCF-style: chr5-148409193-A-C. GRCh37 (hg19) VCF-style: chr5-147788756-A-C.
Other names: c.938A>C, p.Tyr313Ser (NM_001271723.2, NM_030793.5); short protein forms Y313S.
Identifiers: ClinVar variation 3665201 (VCV003665201.2).
Genomic context (GRCh38, chr5:148,409,193, plus strand): 5'-GAAATTTGCACACTATTGTTCTGGGAGCTTGCAAAAATGCTCTTGAAGTAGATCTTGGTT[A>C]CCTCATCATTACTGCTGCCCGTAGGTATGTTTCCTCTTTGTATTGTGTCTCTCACTTTAG-3'
Protein context (NP_995308.1, residues 303-323): CKNALEVDLG[Tyr313Ser]LIITAARRLH